The following is an entry in ClinVar:

NM_033026.6(PCLO):c.7322A>G (p.Lys2441Arg)

Gene: PCLO (piccolo presynaptic cytomatrix protein; minus strand). Cytogenetic location: 7q21.11.
Variant type: single nucleotide variant.
Coding change: c.7322A>G on transcript NM_033026.6 (MANE Select); coding-DNA position 7322, A replaced by G.
Protein change: p.Lys2441Arg; replaces lysine 2441 with arginine.
Molecular consequence: missense variant.
Genome position (GRCh38, 1-based): chr7:82,953,631, T>C on the plus strand (A>G on the coding strand, the complement: PCLO is on the minus strand). VCF-style: chr7-82953631-T-C. GRCh37 (hg19) VCF-style: chr7-82582947-T-C.
Other names: c.7322A>G, p.Lys2441Arg (NM_014510.3); c.7322A>G (NM_033026.5); short protein forms K2441R.
Identifiers: ClinVar variation 1169530 (VCV001169530.11), dbSNP rs201954511, ClinGen allele CA4320323.
Genomic context (GRCh38, chr7:82,953,631, plus strand): 5'-GTAGTAACAGCATCAAACAGAGGTGTAGCTGTAGTCACTGGAGATGCAACTGTTAACTTT[T>C]TTTTAGGAAGAATAGTTGGTTTAGGTGAAGTTGGTGGAGGAAGTGGTGGGGGAGGAGGGG-3'
Protein context (NP_149015.2, residues 2431-2451): TSPKPTILPK[Lys2441Arg]KLTVASPVTT

ClinVar aggregate classification (germline): Benign. Review status: criteria provided, single submitter (1 of 4 stars). 2 submissions from 2 submitters: Benign (1). 1 of the submissions does not count toward it. Last evaluated 2026-01-21.

Conditions:
PCLO-related disorder. Also called: PCLO-related condition.

Allele frequency attached by ClinVar (database versions not stated): 1000 Genomes Project 30x 0.00016; gnomAD 0.00017; 1000 Genomes Project 0.00020; ExAC 0.00121; gnomAD exomes 0.00021 and 0.00112; TOPMed 0.00051.
gnomAD v4.1: 320 of 1,606,470 alleles (0.02%); highest among the groups gnomAD compares: Admixed American, 0.54%; 2 homozygotes.

Submissions (2):

Labcorp Genetics (formerly Invitae), Labcorp
Classification: Benign. Last evaluated: 2026-01-21. Review status: criteria provided, single submitter. Criteria: Invitae Variant Classification Sherloc (09022015). Collection method: clinical testing. Allele origin: germline.

PreventionGenetics, part of Exact Sciences
Classification: Benign for PCLO-related condition. Last evaluated: 2020-08-10. Review status: no assertion criteria provided. Collection method: clinical testing. Allele origin: germline. Not counted in ClinVar's aggregate classification.
Comment: This variant is classified as benign based on ACMG/AMP sequence variant interpretation guidelines (Richards et al. 2015 PMID: 25741868, with internal and published modifications).